The following is an entry in ClinVar:

NM_000174.5(GP9):c.-128C>T

Gene: GP9 (glycoprotein IX platelet; plus strand). Cytogenetic location: 3q21.3.
Variant type: single nucleotide variant.
Coding change: c.-128C>T on transcript NM_000174.5 (MANE Select); 128 bases upstream of the start codon, C replaced by T.
Molecular consequence: 5 prime UTR variant.
Genome position (GRCh38, 1-based): chr3:129,061,504, C>T. VCF-style: chr3-129061504-C-T. GRCh37 (hg19) VCF-style: chr3-128780347-C-T.
Identifiers: ClinVar variation 343215 (VCV000343215.5), dbSNP rs554290942, ClinGen allele CA10617177.

ClinVar aggregate classification (germline): Likely benign (1 of 4 stars; one submission).

Conditions:
Bernard Soulier syndrome (BSS). Also called: BLEEDING DISORDER, PLATELET-TYPE, 1; GLYCOPROTEIN Ib, PLATELET, DEFICIENCY OF; PLATELET GLYCOPROTEIN Ib DEFICIENCY; VON WILLEBRAND FACTOR RECEPTOR DEFICIENCY; Giant platelet syndrome; Hemorrhagiparous thrombocytic dystrophy. Identifiers: Orphanet 274, MedGen C0005129, MeSH D001606, MONDO:0009276, OMIM 231200.

Allele frequency attached by ClinVar (database versions not stated): gnomAD 0.00009 and 0.00012; gnomAD exomes 0.00009; TOPMed 0.00024; 1000 Genomes Project 0.00060; 1000 Genomes Project 30x 0.00109.
gnomAD v4.1: 58 of 599,918 alleles (0.0097%); highest among the groups gnomAD compares: East Asian, 0.16%; no homozygotes.

Submission:

Illumina Laboratory Services, Illumina
Classification: Likely benign for Bernard Soulier syndrome. Last evaluated: 2018-01-12. Review status: criteria provided, single submitter. Criteria: ICSL Variant Classification Criteria 13 December 2019. Collection method: clinical testing. Allele origin: germline.
Comment: This variant was observed in the ICSL laboratory as part of a predisposition screen in an ostensibly healthy population. It had not been previously curated by ICSL or reported in the Human Gene Mutation Database (HGMD: prior to June 1st, 2018), and was therefore a candidate for classification through an automated scoring system. Utilizing variant allele frequency, disease prevalence and penetrance estimates, and inheritance mode, an automated score was calculated to assess if this variant is too frequent to cause the disease. Based on the score and internal cut-off values, a variant classified as likely benign is not then subjected to further curation. The score for this variant resulted in a classification of likely benign for this disease.